The following is an entry in ClinVar:

ClinVar aggregate classification (germline): Likely benign (1 of 4 stars; one submission).

gnomAD v4.1: 11 of 1,613,952 alleles (0.00068%); highest among the groups gnomAD compares: South Asian, 0.012%; no homozygotes.

Submission:

CeGaT Center for Human Genetics Tuebingen
Classification: Likely benign. Last evaluated: 2025-12-01. Review status: criteria provided, single submitter. Criteria: CeGaT Center For Human Genetics Tuebingen Variant Classification Criteria Version 2. Collection method: clinical testing. Allele origin: germline. Affected: yes. Observed: 1 variant allele.
Comment: LTBP2: BP4, BP7

NM_000428.3(LTBP2):c.3054G>C (p.Gly1018=)

Gene: LTBP2 (latent transforming growth factor beta binding protein 2; minus strand). Cytogenetic location: 14q24.3.
Variant type: single nucleotide variant.
Coding change: c.3054G>C on transcript NM_000428.3 (MANE Select); coding-DNA position 3054, G replaced by C.
Protein change: p.Gly1018=; no amino-acid change (glycine 1018 retained).
Molecular consequence: synonymous variant.
Genome position (GRCh38, 1-based): chr14:74,510,188, C>G on the plus strand (G>C on the coding strand, the complement: LTBP2 is on the minus strand). VCF-style: chr14-74510188-C-G. GRCh37 (hg19) VCF-style: chr14-74976891-C-G.
Identifiers: ClinVar variation 4534203 (VCV004534203.6).
Genomic context (GRCh38, chr14:74,510,188, plus strand): 5'-CTGCTCACAAGAGCATCTGAAGGAGCCTTCTAGGTTGGTGCACTTTCCATGGGCACAGAC[C>G]CCGGGAGTCAGACACTCATTCACATCTGTGGGAGAGAAGTCCAAGACGGTGGGCTGGCCT-3'
Protein context (NP_000419.1, residues 1008-1028): CVDVNECLTP[Gly1018=]VCAHGKCTNL